The following is an entry in ClinVar:

NM_019098.5(CNGB3):c.479C>T (p.Ala160Val)

Gene: CNGB3 (cyclic nucleotide gated channel subunit beta 3; minus strand). Cytogenetic location: 8q21.3.
Variant type: single nucleotide variant.
Coding change: c.479C>T on transcript NM_019098.5 (MANE Select); coding-DNA position 479, C replaced by T.
Protein change: p.Ala160Val; replaces alanine 160 with valine.
Molecular consequence: missense variant.
Genome position (GRCh38, 1-based): chr8:86,670,958, G>A on the plus strand (C>T on the coding strand, the complement: CNGB3 is on the minus strand). VCF-style: chr8-86670958-G-A. GRCh37 (hg19) VCF-style: chr8-87683186-G-A.
Other names: short protein forms A160V.
Identifiers: ClinVar variation 1481092 (VCV001481092.5), dbSNP rs755714257, ClinGen allele CA4800390.

ClinVar aggregate classification (germline): Uncertain significance (1 of 4 stars; one submission).

Allele frequency attached by ClinVar (database versions not stated): gnomAD 0.00001; TOPMed 0.00001; ExAC 0.00002; gnomAD exomes 0.00003.

Submission:

Labcorp Genetics (formerly Invitae), Labcorp
Classification: Uncertain significance. Last evaluated: 2022-10-13. Review status: criteria provided, single submitter. Criteria: Invitae Variant Classification Sherloc (09022015). Collection method: clinical testing. Allele origin: germline.
Comment: This sequence change replaces alanine, which is neutral and non-polar, with valine, which is neutral and non-polar, at codon 160 of the CNGB3 protein (p.Ala160Val). This variant is present in population databases (rs755714257, gnomAD 0.01%). This variant has not been reported in the literature in individuals affected with CNGB3-related conditions. ClinVar contains an entry for this variant (Variation ID: 1481092). Advanced modeling of protein sequence and biophysical properties (such as structural, functional, and spatial information, amino acid conservation, physicochemical variation, residue mobility, and thermodynamic stability) performed at Invitae indicates that this missense variant is not expected to disrupt CNGB3 protein function. In summary, the available evidence is currently insufficient to determine the role of this variant in disease. Therefore, it has been classified as a Variant of Uncertain Significance.